The following is an entry in ClinVar:

NM_007194.4(CHEK2):c.319+2dup

Gene: CHEK2 (checkpoint kinase 2; minus strand). Cytogenetic location: 22q12.1.
Variant type: Duplication.
Coding change: c.319+2dup on transcript NM_007194.4 (MANE Select); the canonical splice donor site of the intron after coding-DNA position 319, one base duplicated (T; older notation c.319+2dupT).
Molecular consequence: splice donor variant. On other transcripts: intron variant (1).
Genome position (GRCh38, 1-based): chr22:28,734,401, A duplicated on the plus strand (T on the coding strand, the reverse complement: CHEK2 is on the minus strand). VCF-style (leftmost placement, unchanged base first): chr22-28734400-T-TA. GRCh37 (hg19) VCF-style: chr22-29130388-T-TA.
Other names: c.-345+7368dup (NM_001437942.1); c.319+2dup (NM_001349956.3, NM_145862.3, NM_001438295.1 and 3 more transcripts); c.-459+2dup (NM_001257387.3).
Identifiers: ClinVar variation 4002251 (VCV004002251.1).

ClinVar aggregate classification (germline): Uncertain significance (1 of 4 stars; one submission).

Conditions:
Hereditary cancer-predisposing syndrome. Also called: Tumor predisposition; Hereditary neoplastic syndrome; Neoplastic Syndromes, Hereditary; Hereditary Cancer Syndrome. Identifiers: Orphanet 140162, MedGen C0027672, MeSH D009386, MONDO:0015356.

Submission:

Ambry Genetics
Classification: Uncertain significance for Hereditary cancer-predisposing syndrome. Last evaluated: 2025-04-14. Review status: criteria provided, single submitter. Criteria: Ambry Variant Classification Scheme 2023. Collection method: clinical testing. Allele origin: germline.
Comment: The c.319+2dupT intronic variant, results from a duplication of one nucleotide after intron 1 of the CHEK2 gene. This nucleotide position is highly conserved in available vertebrate species. In silico splice site analysis predicts that this alteration will weaken the native splice donor site; however, direct evidence is insufficient at this time (Ambry internal data). Based on the available evidence, the clinical significance of this variant remains unclear.